The following is an entry in ClinVar:

ClinVar aggregate classification (germline): Uncertain significance (1 of 4 stars; one submission).

Allele frequency attached by ClinVar (database versions not stated): gnomAD exomes below 0.00001; gnomAD 0.00001.
gnomAD v4.1: 2 of 1,614,082 alleles (0.00012%); highest among the groups gnomAD compares: Non-Finnish European, 0.00017%; no homozygotes.

Submission:

Labcorp Genetics (formerly Invitae), Labcorp
Classification: Uncertain significance. Last evaluated: 2024-01-31. Review status: criteria provided, single submitter. Criteria: Invitae Variant Classification Sherloc (09022015). Collection method: clinical testing. Allele origin: germline.
Comment: This sequence change replaces asparagine, which is neutral and polar, with serine, which is neutral and polar, at codon 120 of the JAK1 protein (p.Asn120Ser). This variant is present in population databases (no rsID available, gnomAD 0.007%). This variant has not been reported in the literature in individuals affected with JAK1-related conditions. Advanced modeling of protein sequence and biophysical properties (such as structural, functional, and spatial information, amino acid conservation, physicochemical variation, residue mobility, and thermodynamic stability) performed at Invitae indicates that this missense variant is not expected to disrupt JAK1 protein function with a negative predictive value of 80%. In summary, the available evidence is currently insufficient to determine the role of this variant in disease. Therefore, it has been classified as a Variant of Uncertain Significance.

NM_002227.4(JAK1):c.359A>G (p.Asn120Ser)

Gene: JAK1 (Janus kinase 1; minus strand). Cytogenetic location: 1p31.3.
Variant type: single nucleotide variant.
Coding change: c.359A>G on transcript NM_002227.4 (MANE Select); coding-DNA position 359, A replaced by G.
Protein change: p.Asn120Ser; replaces asparagine 120 with serine.
Molecular consequence: missense variant.
Genome position (GRCh38, 1-based): chr1:64,873,494, T>C on the plus strand (A>G on the coding strand, the complement: JAK1 is on the minus strand). VCF-style: chr1-64873494-T-C. GRCh37 (hg19) VCF-style: chr1-65339177-T-C.
Other names: c.359A>G, p.Asn120Ser (NM_001320923.2, NM_001321852.2, NM_001321853.2 and 4 more transcripts); short protein forms N120S.
Identifiers: ClinVar variation 2851420 (VCV002851420.3), dbSNP rs1420309164, ClinGen allele CA340677919.
Genomic context (GRCh38, chr1:64,873,494, plus strand): 5'-TTCTCGTAGCCATTTTTCTGCTTCTTTGGAGAATGACGCCACACTGACTGCTCATTGTCG[T>C]TGGTTCCATGCCAATTGGTGAAATAGAACCTGGAAGGCAGGAAAATGAATGCCAATTGTG-3'
Protein context (NP_002218.2, residues 110-130): RFYFTNWHGT[Asn120Ser]DNEQSVWRHS